The following is an entry in ClinVar:

ClinVar aggregate classification (germline): Uncertain significance. Review status: criteria provided, multiple submitters, no conflicts (2 of 4 stars). 2 submissions from 2 submitters: Uncertain significance (2). Last evaluated 2025-08-26.

Allele frequency attached by ClinVar (database versions not stated): gnomAD exomes below 0.00001 and 0.00001; ExAC 0.00001; gnomAD 0.00001; TOPMed 0.00002; ESP Exome Variant Server 0.00008.

Submissions (2):

Ambry Genetics
Classification: Uncertain significance. Last evaluated: 2025-08-26. Review status: criteria provided, single submitter. Criteria: Ambry Variant Classification Scheme 2023. Collection method: clinical testing. Allele origin: germline.

Labcorp Genetics (formerly Invitae), Labcorp
Classification: Uncertain significance. Last evaluated: 2025-01-15. Review status: criteria provided, single submitter. Criteria: Invitae Variant Classification Sherloc (09022015). Collection method: clinical testing. Allele origin: germline.
Comment: This sequence change replaces serine, which is neutral and polar, with leucine, which is neutral and non-polar, at codon 100 of the GEN1 protein (p.Ser100Leu). This variant is present in population databases (rs371047592, gnomAD 0.002%). This variant has not been reported in the literature in individuals affected with GEN1-related conditions. ClinVar contains an entry for this variant (Variation ID: 1520780). An algorithm developed to predict the effect of missense changes on protein structure and function (PolyPhen-2) suggests that this variant is likely to be tolerated. In summary, the available evidence is currently insufficient to determine the role of this variant in disease. Therefore, it has been classified as a Variant of Uncertain Significance.

NM_001130009.3(GEN1):c.299C>T (p.Ser100Leu)

Gene: GEN1 (GEN1 structure-specific endonuclease; plus strand). Cytogenetic location: 2p24.2.
Variant type: single nucleotide variant.
Coding change: c.299C>T on transcript NM_001130009.3 (MANE Select); coding-DNA position 299, C replaced by T.
Protein change: p.Ser100Leu; replaces serine 100 with leucine.
Molecular consequence: missense variant.
Genome position (GRCh38, 1-based): chr2:17,761,533, C>T. VCF-style: chr2-17761533-C-T. GRCh37 (hg19) VCF-style: chr2-17942800-C-T.
Other names: c.299C>T, p.Ser100Leu (NM_182625.5); c.299C>T (NM_001130009.1); short protein forms S100L.
Identifiers: ClinVar variation 1520780 (VCV001520780.10), dbSNP rs371047592, ClinGen allele CA1540372.